The following is an entry in ClinVar:

ClinVar aggregate classification (germline): Uncertain significance (1 of 4 stars; one submission).

Allele frequency attached by ClinVar (database versions not stated): gnomAD exomes 0.00001.
gnomAD v4.1: 10 of 1,611,656 alleles (0.00062%); highest among the groups gnomAD compares: Middle Eastern, 0.016%; no homozygotes.

Submission:

Labcorp Genetics (formerly Invitae), Labcorp
Classification: Uncertain significance. Last evaluated: 2025-10-02. Review status: criteria provided, single submitter. Criteria: Invitae Variant Classification Sherloc (09022015). Collection method: clinical testing. Allele origin: germline.
Comment: This sequence change replaces alanine, which is neutral and non-polar, with valine, which is neutral and non-polar, at codon 522 of the SBF1 protein (p.Ala522Val). This variant is present in population databases (no rsID available, gnomAD 0.007%). This variant has not been reported in the literature in individuals affected with SBF1-related conditions. ClinVar contains an entry for this variant (Variation ID: 1345767). Invitae Evidence Modeling of protein sequence and biophysical properties (such as structural, functional, and spatial information, amino acid conservation, physicochemical variation, residue mobility, and thermodynamic stability) indicates that this missense variant is not expected to disrupt SBF1 protein function with a negative predictive value of 80%. In summary, the available evidence is currently insufficient to determine the role of this variant in disease. Therefore, it has been classified as a Variant of Uncertain Significance.

NM_002972.4(SBF1):c.1565C>T (p.Ala522Val)

Gene: SBF1 (SET binding factor 1; minus strand). Cytogenetic location: 22q13.33.
Variant type: single nucleotide variant.
Coding change: c.1565C>T on transcript NM_002972.4 (MANE Select); coding-DNA position 1565, C replaced by T.
Protein change: p.Ala522Val; replaces alanine 522 with valine.
Molecular consequence: missense variant.
Genome position (GRCh38, 1-based): chr22:50,464,605, G>A on the plus strand (C>T on the coding strand, the complement: SBF1 is on the minus strand). VCF-style: chr22-50464605-G-A. GRCh37 (hg19) VCF-style: chr22-50903034-G-A.
Other names: c.1568C>T, p.Ala523Val (NM_001365819.1); short protein forms A523V, A522V.
Identifiers: ClinVar variation 1345767 (VCV001345767.8), dbSNP rs868063263, ClinGen allele CA325534340.
Genomic context (GRCh38, chr22:50,464,605, plus strand): 5'-CCTGAGGGCACGGTGGTCCTCCTCTCGGCCTTCACAGCTGGGGGTGCACCCTGCATCTTG[G>A]CTGCAGCCTGGTCCACGATCCACTGCACGGTGCCCTCATCCAGCCGGGGGAAGGGTCGGG-3'
Protein context (NP_002963.2, residues 512-532): TVQWIVDQAA[Ala522Val]KMQGAPPAVK